The following is an entry in ClinVar:

ClinVar aggregate classification (germline): Uncertain significance (1 of 4 stars; one submission).

Conditions:
Bloom syndrome (BLM). Also called: Bloom-Torre-Machacek syndrome. Identifiers: Orphanet 125, MedGen C0005859, MONDO:0008876, OMIM 210900.

Submission:

Labcorp Genetics (formerly Invitae), Labcorp
Classification: Uncertain significance for Bloom syndrome. Last evaluated: 2021-04-26. Review status: criteria provided, single submitter. Criteria: Invitae Variant Classification Sherloc (09022015). Collection method: clinical testing. Allele origin: germline.
Comment: In summary, the available evidence is currently insufficient to determine the role of this variant in disease. Therefore, it has been classified as a Variant of Uncertain Significance. Algorithms developed to predict the effect of missense changes on protein structure and function are either unavailable or do not agree on the potential impact of this missense change (SIFT: "Tolerated"; PolyPhen-2: "Probably Damaging"; Align-GVGD: "Class C0"). This variant has not been reported in the literature in individuals with BLM-related conditions. This variant is not present in population databases (ExAC no frequency). This sequence change replaces serine with cysteine at codon 1286 of the BLM protein (p.Ser1286Cys). The serine residue is moderately conserved and there is a moderate physicochemical difference between serine and cysteine.

NM_000057.4(BLM):c.3857C>G (p.Ser1286Cys)

Gene: BLM (BLM RecQ like helicase; plus strand). Cytogenetic location: 15q26.1.
Variant type: single nucleotide variant.
Coding change: c.3857C>G on transcript NM_000057.4 (MANE Select); coding-DNA position 3857, C replaced by G.
Protein change: p.Ser1286Cys; replaces serine 1286 with cysteine.
Molecular consequence: missense variant.
Genome position (GRCh38, 1-based): chr15:90,809,242, C>G. VCF-style: chr15-90809242-C-G. GRCh37 (hg19) VCF-style: chr15-91352472-C-G.
Other names: c.3857C>G, p.Ser1286Cys (NM_001287246.2); c.3464C>G, p.Ser1155Cys (NM_001287247.2); c.2732C>G, p.Ser911Cys (NM_001287248.2); short protein forms S1286C, S911C, S1155C.
Identifiers: ClinVar variation 1363583 (VCV001363583.8), dbSNP rs1423327905, ClinGen allele CA393849815.